The following is an entry in ClinVar:

ClinVar aggregate classification (germline): Uncertain significance (1 of 4 stars; one submission).

Conditions:
Cardiovascular phenotype. Identifiers: MedGen CN230736.

Submission:

Ambry Genetics
Classification: Uncertain significance for Cardiovascular phenotype. Last evaluated: 2021-01-28. Review status: criteria provided, single submitter. Criteria: Ambry Variant Classification Scheme 2023. Collection method: clinical testing. Allele origin: germline.
Comment: The c.6486_6488delGGA variant (also known as p.E2162del) is located in coding exon 2 of the ZNF469 gene. This variant results from an in-frame GGA deletion at nucleotide positions 6486 to 6488. This results in the in-frame deletion of a glutamic acid at codon 2162. This amino acid position is poorly conserved in available vertebrate species. In addition, this alteration is predicted to be neutral by in silico analysis (Choi Y et al. PLoS ONE. 2012; 7(10):e46688). Since supporting evidence is limited at this time, the clinical significance of this alteration remains unclear.

NM_001367624.2(ZNF469):c.6570_6572del (p.Glu2190del)

Gene: ZNF469 (zinc finger protein 469; plus strand). Cytogenetic location: 16q24.2.
Variant type: Deletion.
Coding change: c.6570_6572del on transcript NM_001367624.2 (MANE Select); coding-DNA positions 6570 to 6572, 3 bases deleted (GGA; older notation c.6570_6572delGGA).
Protein change: p.Glu2190del; deletes glutamic acid 2190.
Molecular consequence: inframe deletion.
Genome position (GRCh38, 1-based): chr16:88,434,040-88,434,042, GGA deleted; deleting any 3 consecutive bases within chr16:88,434,038-88,434,042 gives the same sequence; the c. name uses the placement nearest the transcript's 3' end. VCF-style (leftmost placement, unchanged base first): chr16-88434037-TGAG-T. GRCh37 (hg19) VCF-style: chr16-88500445-TGAG-T.
Other names: NM_001127464.1:c.6486_6488delGGA; short protein forms E2190del.
Identifiers: ClinVar variation 1753784 (VCV001753784.2), dbSNP rs2507593813, ClinGen allele CA2576089651.
Genomic context (GRCh38, chr16:88,434,037, plus strand): 5'-TCCTGCCTGGGCACCTCTGGAAGAGGCAGATGGCGTCCAAGCCACGACAGATACTGGGGC[TGAG>T]GATTCCCCGGTGGCTCCCCCGTCTTTGACAACAAGCCCCTGCGATCCCAAGGAAGCCCTG-3'